The following is an entry in ClinVar:

NM_000719.7(CACNA1C):c.3790G>A (p.Val1264Met)

Gene: CACNA1C (calcium voltage-gated channel subunit alpha1 C; plus strand). Cytogenetic location: 12p13.33.
Variant type: single nucleotide variant.
Coding change: c.3790G>A on transcript NM_000719.7 (MANE Select); coding-DNA position 3790, G replaced by A.
Protein change: p.Val1264Met; replaces valine 1264 with methionine.
Molecular consequence: missense variant.
Genome position (GRCh38, 1-based): chr12:2,611,975, G>A. VCF-style: chr12-2611975-G-A. GRCh37 (hg19) VCF-style: chr12-2721141-G-A.
Other names: p.Val1264Met; c.3850G>A, p.Val1284Met (NM_001129827.2, NM_001129832.2, NM_199460.4); c.3790G>A, p.Val1264Met (NM_001129829.2, NM_001129830.3, NM_001129831.2 and 15 more transcripts); c.3781G>A, p.Val1261Met (NM_001129844.2); short protein forms V1264M, V1284M, V1261M.
Identifiers: ClinVar variation 456967 (VCV000456967.13), dbSNP rs760543068, ClinGen allele CA6389309.

ClinVar aggregate classification (germline): Conflicting classifications of pathogenicity. Review status: criteria provided, conflicting classifications (1 of 4 stars). 4 submissions from 4 submitters: Uncertain significance (3); Benign (1). Last evaluated 2025-12-12.

Conditions:
Cardiovascular phenotype. Identifiers: MedGen CN230736.
Long QT syndrome (LQTS). Identifiers: MedGen C0023976, MeSH D008133, MONDO:0002442. Disease mechanism: loss of function. Inheritance: Various modes of inheritance.

Allele frequency attached by ClinVar (database versions not stated): TOPMed below 0.00001; gnomAD 0.00001; gnomAD exomes 0.00002 and 0.00006; ExAC 0.00006.
gnomAD v4.1: 30 of 1,612,952 alleles (0.0019%); highest among the groups gnomAD compares: Admixed American, 0.018%; no homozygotes.

Submissions (4):

Mayo Clinic Laboratories, Mayo Clinic
Classification: Uncertain significance. Last evaluated: 2025-12-12. Review status: criteria provided, single submitter. Criteria: ACMG Guidelines, 2015. Collection method: clinical testing. Allele origin: germline. Observed: 1 variant allele.
Comment: PP3_moderate

Labcorp Genetics (formerly Invitae), Labcorp
Classification: Uncertain significance for Long QT syndrome. Last evaluated: 2025-09-04. Review status: criteria provided, single submitter. Criteria: Invitae Variant Classification Sherloc (09022015). Collection method: clinical testing. Allele origin: germline.
Comment: This sequence change replaces valine, which is neutral and non-polar, with methionine, which is neutral and non-polar, at codon 1264 of the CACNA1C protein (p.Val1264Met). This variant is present in population databases (rs760543068, gnomAD 0.03%), and has an allele count higher than expected for a pathogenic variant. This variant has not been reported in the literature in individuals affected with CACNA1C-related conditions. ClinVar contains an entry for this variant (Variation ID: 456967). Invitae Evidence Modeling of protein sequence and biophysical properties (such as structural, functional, and spatial information, amino acid conservation, physicochemical variation, residue mobility, and thermodynamic stability) has been performed for this missense variant. However, the output from this modeling did not meet the statistical confidence thresholds required to predict the impact of this variant on CACNA1C protein function. In summary, the available evidence is currently insufficient to determine the role of this variant in disease. Therefore, it has been classified as a Variant of Uncertain Significance.

Ambry Genetics
Classification: Benign for Cardiovascular phenotype. Last evaluated: 2023-06-12. Review status: criteria provided, single submitter. Criteria: Ambry Variant Classification Scheme 2023. Collection method: clinical testing. Allele origin: germline.

GeneDx
Classification: Uncertain significance. Last evaluated: 2022-07-05. Review status: criteria provided, single submitter. Criteria: GeneDx Variant Classification Process June 2021. Collection method: clinical testing. Allele origin: germline. Affected: yes.
Comment: In silico analysis supports that this missense variant does not alter protein structure/function; Has not been previously published as pathogenic or benign to our knowledge